The following is an entry in ClinVar:

NM_001386298.1(CIC):c.6313G>A (p.Ala2105Thr)

Gene: CIC (capicua transcriptional repressor; plus strand). Cytogenetic location: 19q13.2.
Variant type: single nucleotide variant.
Coding change: c.6313G>A on transcript NM_001386298.1 (MANE Select); coding-DNA position 6313, G replaced by A.
Protein change: p.Ala2105Thr; replaces alanine 2105 with threonine.
Molecular consequence: missense variant.
Genome position (GRCh38, 1-based): chr19:42,293,072, G>A. VCF-style: chr19-42293072-G-A. GRCh37 (hg19) VCF-style: chr19-42797224-G-A.
Other names: c.6313G>A, p.Ala2105Thr (NM_001304815.2, NM_001379482.1); c.6310G>A, p.Ala2104Thr (NM_001379480.1); c.3586G>A, p.Ala1196Thr (NM_001379484.1, NM_001379485.1, NM_015125.5); c.3586G>A (NM_015125.4); short protein forms A1196T, A2104T, A2105T.
Identifiers: ClinVar variation 1335349 (VCV001335349.36), dbSNP rs199898619, ClinGen allele CA9472680.
Genomic context (GRCh38, chr19:42,293,072, plus strand): 5'-GCCCCCCAGAAAGTGAAGGCAGCCATCGCCAGCATTCCCGTGGGGTCCTTTGAGGCAGGT[G>A]CCTCTGGGCGGCCTGGCCCTGCACCCCGGCAGCCTCTGGAGCCTGGCCCAGTCCGAGAGC-3'
Protein context (NP_001373227.1, residues 2095-2115): SIPVGSFEAG[Ala2105Thr]SGRPGPAPRQ

ClinVar aggregate classification (germline): Likely benign. Review status: criteria provided, multiple submitters, no conflicts (2 of 4 stars). 3 submissions from 3 submitters: Likely benign (2). 1 of the submissions does not count toward it. Last evaluated 2022-10-01.

Conditions:
CIC-related disorder. Also called: CIC-related condition.
Intellectual developmental disorder, autosomal dominant 45. Also called: MENTAL RETARDATION, AUTOSOMAL DOMINANT 45; Intellectual disability, autosomal dominant 45. Identifiers: MedGen C4539848, MONDO:0030910, OMIM 617600.

Allele frequency attached by ClinVar (database versions not stated): ExAC 0.00012; TOPMed 0.00012; ESP Exome Variant Server 0.00031; gnomAD 0.00008; gnomAD exomes 0.00011.
gnomAD v4.1: 369 of 1,611,400 alleles (0.023%); highest among the groups gnomAD compares: Non-Finnish European, 0.03%; 1 homozygote.

Submissions (3):

CeGaT Center for Human Genetics Tuebingen
Classification: Likely benign. Last evaluated: 2022-10-01. Review status: criteria provided, single submitter. Criteria: CeGaT Center For Human Genetics Tuebingen Variant Classification Criteria Version 2. Collection method: clinical testing. Allele origin: germline. Affected: yes. Observed: 2 variant alleles.
Comment: CIC: BS2

Department of Pathology and Laboratory Medicine, Sinai Health System
Classification: Likely benign for intellectual disability, autosomal dominant 45. Last evaluated: 2021-10-22. Review status: criteria provided, single submitter. Criteria: ACMG Guidelines, 2015. Collection method: research. Allele origin: germline.

PreventionGenetics, part of Exact Sciences
Classification: Likely benign for CIC-related condition. Last evaluated: 2024-05-09. Review status: no assertion criteria provided. Collection method: clinical testing. Allele origin: germline. Not counted in ClinVar's aggregate classification.
Comment: This variant is classified as likely benign based on ACMG/AMP sequence variant interpretation guidelines (Richards et al. 2015 PMID: 25741868, with internal and published modifications).